The following is an entry in ClinVar:

NM_000891.3(KCNJ2):c.591C>G (p.His197Gln)

Gene: KCNJ2 (potassium inwardly rectifying channel subfamily J member 2; plus strand). Cytogenetic location: 17q24.3.
Variant type: single nucleotide variant.
Coding change: c.591C>G on transcript NM_000891.3 (MANE Select); coding-DNA position 591, C replaced by G.
Protein change: p.His197Gln; replaces histidine 197 with glutamine.
Molecular consequence: missense variant.
Genome position (GRCh38, 1-based): chr17:70,175,630, C>G. VCF-style: chr17-70175630-C-G. GRCh37 (hg19) VCF-style: chr17-68171771-C-G.
Other names: short protein forms H197Q.
Identifiers: ClinVar variation 3755593 (VCV003755593.2).

ClinVar aggregate classification (germline): Uncertain significance (1 of 4 stars; one submission).

Conditions:
Andersen Tawil syndrome (LQT7). Also called: ANDERSEN CARDIODYSRHYTHMIC PERIODIC PARALYSIS; LONG QT SYNDROME 7; PERIODIC PARALYSIS, POTASSIUM-SENSITIVE CARDIODYSRHYTHMIC TYPE; Andersen Syndrome; Potassium-sensitive periodic paralysis, ventricular ectopy, and dysmorphic features. Identifiers: Orphanet 37553, MedGen C1563715, MONDO:0008222, OMIM 170390.
Short QT syndrome type 3. Identifiers: Orphanet 51083, MedGen C1865018, MONDO:0012314, OMIM 609622.

Submission:

Labcorp Genetics (formerly Invitae), Labcorp
Classification: Uncertain significance for Short QT syndrome type 3; Andersen Tawil syndrome. Last evaluated: 2024-03-29. Review status: criteria provided, single submitter. Criteria: Invitae Variant Classification Sherloc (09022015). Collection method: clinical testing. Allele origin: germline.
Comment: This sequence change replaces histidine, which is basic and polar, with glutamine, which is neutral and polar, at codon 197 of the KCNJ2 protein (p.His197Gln). This variant is not present in population databases (gnomAD no frequency). This variant has not been reported in the literature in individuals affected with KCNJ2-related conditions. Advanced modeling of protein sequence and biophysical properties (such as structural, functional, and spatial information, amino acid conservation, physicochemical variation, residue mobility, and thermodynamic stability) performed at Invitae indicates that this missense variant is not expected to disrupt KCNJ2 protein function with a negative predictive value of 80%. In summary, the available evidence is currently insufficient to determine the role of this variant in disease. Therefore, it has been classified as a Variant of Uncertain Significance.